The following is an entry in ClinVar:

ClinVar aggregate classification (germline): Likely benign (1 of 4 stars; one submission).

gnomAD v4.1: 81 of 1,612,552 alleles (0.005%); highest among the groups gnomAD compares: East Asian, 0.011%; 1 homozygote.

Submission:

CeGaT Center for Human Genetics Tuebingen
Classification: Likely benign. Last evaluated: 2024-08-01. Review status: criteria provided, single submitter. Criteria: CeGaT Center For Human Genetics Tuebingen Variant Classification Criteria Version 2. Collection method: clinical testing. Allele origin: germline. Affected: yes. Observed: 1 variant allele.
Comment: DERL3: BP4, BP7

NM_001002862.3(DERL3):c.*2015G>A

Genes: DERL3 (derlin 3; minus strand), SMARCB1 (SWI/SNF related BAF chromatin remodeling complex subunit B1; plus strand). Cytogenetic location: 22q11.23.
Variant type: single nucleotide variant.
Coding change: c.*2015G>A on transcript NM_001002862.3 (MANE Select); 2015 bases downstream of the stop codon, G replaced by A.
Molecular consequence: 3 prime UTR variant. On other transcripts: synonymous variant (1).
Genome position (GRCh38, 1-based): chr22:23,834,854, C>T on the plus strand (G>A on the coding strand, the complement: DERL3 is on the minus strand). VCF-style: chr22-23834854-C-T. GRCh37 (hg19) VCF-style: chr22-24177041-C-T.
Other names: c.*674C>T (NM_001007468.3, NM_001317946.2, NM_001362877.2 and 1 more transcripts); c.693G>A, p.Thr231= (NM_001135751.2); c.*38G>A (NM_001363072.2); c.*2206G>A (NM_198440.4).
Identifiers: ClinVar variation 3341671 (VCV003341671.16).